The following is an entry in ClinVar:

ClinVar aggregate classification (germline): Uncertain significance (1 of 4 stars; one submission).

Submission:

Labcorp Genetics (formerly Invitae), Labcorp
Classification: Uncertain significance. Last evaluated: 2023-06-17. Review status: criteria provided, single submitter. Criteria: Invitae Variant Classification Sherloc (09022015). Collection method: clinical testing. Allele origin: germline.
Comment: This variant has not been reported in the literature in individuals affected with NSDHL-related conditions. This sequence change replaces glutamine, which is neutral and polar, with leucine, which is neutral and non-polar, at codon 77 of the NSDHL protein (p.Gln77Leu). This variant is not present in population databases (gnomAD no frequency). An algorithm developed to predict the effect of missense changes on protein structure and function (PolyPhen-2) suggests that this variant is likely to be tolerated. Algorithms developed to predict the effect of sequence changes on RNA splicing suggest that this variant may disrupt the consensus splice site. In summary, the available evidence is currently insufficient to determine the role of this variant in disease. Therefore, it has been classified as a Variant of Uncertain Significance.

NM_015922.3(NSDHL):c.230A>T (p.Gln77Leu)

Gene: NSDHL (NAD(P) dependent 3-beta-hydroxysteroid dehydrogenase NSDHL; plus strand). Cytogenetic location: Xq28.
Variant type: single nucleotide variant.
Coding change: c.230A>T on transcript NM_015922.3 (MANE Select); coding-DNA position 230, A replaced by T.
Protein change: p.Gln77Leu; replaces glutamine 77 with leucine.
Molecular consequence: missense variant.
Genome position (GRCh38, 1-based): chrX:152,850,386, A>T. VCF-style: chrX-152850386-A-T. GRCh37 (hg19) VCF-style: chrX-152018930-A-T.
Other names: c.230A>T, p.Gln77Leu (NM_001129765.2); short protein forms Q77L.
Identifiers: ClinVar variation 2718626 (VCV002718626.3), dbSNP rs1933337725, ClinGen allele CA415284446.
Genomic context (GRCh38, chrX:152,850,386, plus strand): 5'-TGCTGGCAAGAGGATATGCTGTCAATGTATTTGATATCCAGCAAGGGTTTGATAATCCCC[A>T]GGTGCGGTTCTTTCTGGGTGACCTCTGCAGCCGACAGGTAATGGACCATGCAGCCTTGCT-3'
Protein context (NP_057006.1, residues 67-87): FDIQQGFDNP[Gln77Leu]VRFFLGDLCS